The following is an entry in ClinVar:

NM_000551.4(VHL):c.336C>T (p.Tyr112=)

Gene: VHL (von Hippel-Lindau tumor suppressor; plus strand). Cytogenetic location: 3p25.3.
Variant type: single nucleotide variant.
Coding change: c.336C>T on transcript NM_000551.4 (MANE Select); coding-DNA position 336, C replaced by T.
Protein change: p.Tyr112=; no amino-acid change (tyrosine 112 retained).
Molecular consequence: synonymous variant.
Genome position (GRCh38, 1-based): chr3:10,142,183, C>T. VCF-style: chr3-10142183-C-T. GRCh37 (hg19) VCF-style: chr3-10183867-C-T.
Other names: c.336C>T, p.Tyr112= (NM_001354723.2, NM_198156.3).
Identifiers: ClinVar variation 378853 (VCV000378853.14), dbSNP rs751232153, ClinGen allele CA040315.

ClinVar aggregate classification (germline): Benign/Likely benign. Review status: criteria provided, multiple submitters, no conflicts (2 of 4 stars). 4 submissions from 4 submitters: Benign (1); Likely benign (3). Last evaluated 2025-06-11.

Conditions:
Von Hippel-Lindau syndrome (VHLS). Also called: Von Hippel-Lindau; VHL syndrome; von Hippel–Lindau syndrome. Identifiers: Orphanet 892, MedGen C0019562, MONDO:0008667, OMIM 193300. Disease mechanism: loss of function.
Chuvash polycythemia. Also called: POLYCYTHEMIA, VHL-DEPENDENT. Identifiers: Orphanet 238557, MedGen C1837915, MONDO:0009892, OMIM 263400.
Hereditary cancer-predisposing syndrome. Also called: Hereditary neoplastic syndrome; Tumor predisposition; Neoplastic Syndromes, Hereditary; Hereditary Cancer Syndrome. Identifiers: Orphanet 140162, MedGen C0027672, MeSH D009386, MONDO:0015356.

Allele frequency attached by ClinVar (database versions not stated): gnomAD 0.00001; gnomAD exomes 0.00001 and 0.00002; ExAC 0.00003.
gnomAD v4.1: 7 of 1,597,942 alleles (0.00044%); highest among the groups gnomAD compares: South Asian, 0.0055%; no homozygotes.

Submissions (4):

Myriad Genetics, Inc.
Classification: Benign for Von Hippel-Lindau syndrome. Last evaluated: 2025-06-11. Review status: criteria provided, single submitter. Criteria: Myriad Autosomal Dominant, Autosomal Recessive and X-Linked Classification Criteria (2023). Collection method: clinical testing. Allele origin: unknown.
Comment: This variant is considered benign. This variant is a silent/synonymous amino acid change and it is not expected to impact splicing.

Ambry Genetics
Classification: Likely benign for Hereditary cancer-predisposing syndrome. Last evaluated: 2024-02-16. Review status: criteria provided, single submitter. Criteria: Ambry Variant Classification Scheme 2023. Collection method: clinical testing. Allele origin: germline.

Labcorp Genetics (formerly Invitae), Labcorp
Classification: Likely benign for Von Hippel-Lindau syndrome; Chuvash polycythemia. Last evaluated: 2023-05-01. Review status: criteria provided, single submitter. Criteria: Invitae Variant Classification Sherloc (09022015). Collection method: clinical testing. Allele origin: germline.

GeneDx
Classification: Likely benign. Last evaluated: 2019-03-11. Review status: criteria provided, single submitter. Criteria: GeneDx Variant Classification Process June 2021. Collection method: clinical testing. Allele origin: germline. Affected: yes.
Comment: This variant is associated with the following publications: (PMID: 23917401)